The following is an entry in ClinVar:

ClinVar aggregate classification (germline): Uncertain significance. Review status: criteria provided, multiple submitters, no conflicts (2 of 4 stars). 4 submissions from 4 submitters: Uncertain significance (4). Last evaluated 2024-12-10.

Conditions:
Fanconi anemia complementation group G. Also called: Fanconi anemia group G; FANCG-Related Fanconi Anemia. Identifiers: Orphanet 84, MedGen C3469527, MONDO:0013565, OMIM 614082.
Fanconi anemia (FA). Also called: Fanconi's anemia. Identifiers: Orphanet 84, MedGen C0015625, MeSH D005199, MONDO:0019391.

Allele frequency attached by ClinVar (database versions not stated): ExAC 0.00002; gnomAD exomes 0.00003; TOPMed 0.00003; gnomAD 0.00006 and 0.00007.

Submissions (4):

Labcorp Genetics (formerly Invitae), Labcorp
Classification: Uncertain significance for Fanconi anemia. Last evaluated: 2024-12-10. Review status: criteria provided, single submitter. Criteria: Invitae Variant Classification Sherloc (09022015). Collection method: clinical testing. Allele origin: germline.
Comment: This sequence change replaces arginine, which is basic and polar, with tryptophan, which is neutral and slightly polar, at codon 242 of the FANCG protein (p.Arg242Trp). This variant is present in population databases (rs574511407, gnomAD 0.005%). This variant has not been reported in the literature in individuals affected with FANCG-related conditions. ClinVar contains an entry for this variant (Variation ID: 912780). Invitae Evidence Modeling of protein sequence and biophysical properties (such as structural, functional, and spatial information, amino acid conservation, physicochemical variation, residue mobility, and thermodynamic stability) has been performed for this missense variant. However, the output from this modeling did not meet the statistical confidence thresholds required to predict the impact of this variant on FANCG protein function. Algorithms developed to predict the effect of sequence changes on RNA splicing suggest that this variant may disrupt the consensus splice site. In summary, the available evidence is currently insufficient to determine the role of this variant in disease. Therefore, it has been classified as a Variant of Uncertain Significance.

Blueprint Genetics
Classification: Uncertain significance. Last evaluated: 2024-11-06. Review status: criteria provided, single submitter. Criteria: ACMG Guidelines, 2015. Collection method: clinical testing. Allele origin: germline.

St. Jude Molecular Pathology, St. Jude Children's Research Hospital
Classification: Uncertain significance for Fanconi anemia complementation group G. Last evaluated: 2023-02-23. Review status: criteria provided, single submitter. Criteria: St. Jude Assertion Criteria 2020. Collection method: clinical testing. Allele origin: germline.
Comment: The FANCG c.739C>A (p.Gln247Lys) missense change has a maximum subpopulation frequency of 0.0054% in gnomAD v2.1.1. The in silico tool REVEL predicts a benign effect on protein function, but to our knowledge this prediction has not been confirmed by functional studies. To our knowledge, this variant has not been reported in individuals with Fanconi anemia. In summary, the evidence currently available is insufficient to determine the clinical significance of this variant. It has therefore been classified as of uncertain significance.

Illumina Laboratory Services, Illumina
Classification: Uncertain significance for Fanconi anemia complementation group G. Last evaluated: 2018-03-30. Review status: criteria provided, single submitter. Criteria: ICSL Variant Classification Criteria 13 December 2019. Collection method: clinical testing. Allele origin: germline.

NM_004629.2(FANCG):c.724C>T (p.Arg242Trp)

Gene: FANCG (FA complementation group G; minus strand). Cytogenetic location: 9p13.3.
Variant type: single nucleotide variant.
Coding change: c.724C>T on transcript NM_004629.2 (MANE Select); coding-DNA position 724, C replaced by T.
Protein change: p.Arg242Trp; replaces arginine 242 with tryptophan.
Molecular consequence: missense variant.
Genome position (GRCh38, 1-based): chr9:35,077,024, G>A on the plus strand (C>T on the coding strand, the complement: FANCG is on the minus strand). VCF-style: chr9-35077024-G-A. GRCh37 (hg19) VCF-style: chr9-35077021-G-A.
Other names: short protein forms R242W.
Identifiers: ClinVar variation 912780 (VCV000912780.8), dbSNP rs574511407, ClinGen allele CA5039972.
Genomic context (GRCh38, chr9:35,077,024, plus strand): 5'-TCTTTACCATCTTACGGTGACAGGACCCCAGTGCTGTGTACACCTGGACCAACACAGGCC[G>A]TGGACACAGGCCTGAGGCCGCTTCATGAAGGCTGCTTAGTGCCTTGTCTGGGTTCCCTGT-3'
Protein context (NP_004620.1, residues 232-252): LHEAASGLCP[Arg242Trp]PVLVQVYTAL